The following is an entry in ClinVar:

NM_020631.4(PLEKHG5):c.-28641G>A

Genes: PLEKHG5 (pleckstrin homology and RhoGEF domain containing G5; minus strand), LOC121967059 (Sharpr-MPRA regulatory region 8211; plus strand). Cytogenetic location: 1p36.31.
Variant type: single nucleotide variant.
Coding change: c.-28641G>A on transcript NM_020631.4; 28641 bases upstream of the start codon, G replaced by A.
Genome position (GRCh38, 1-based): chr1:6,520,190, C>T on the plus strand (G>A on the coding strand, the complement: PLEKHG5 is on the minus strand). VCF-style: chr1-6520190-C-T. GRCh37 (hg19) VCF-style: chr1-6580250-C-T.
Identifiers: ClinVar variation 679848 (VCV000679848.4), dbSNP rs4908904, ClinGen allele CA10830900.

ClinVar aggregate classification (germline): Benign. Review status: criteria provided, multiple submitters, no conflicts (2 of 4 stars). 2 submissions from 2 submitters: Benign (2). Last evaluated 2018-06-18.

Allele frequency attached by ClinVar (database versions not stated): gnomAD 0.76607 and 0.77246; 1000 Genomes Project 0.73562; TOPMed 0.75742; 1000 Genomes Project 30x 0.73438; gnomAD exomes 0.85573.

Submissions (2):

GeneDx
Classification: Benign. Last evaluated: 2018-06-18. Review status: criteria provided, single submitter. Criteria: GeneDx Variant Classification (06012015). Collection method: clinical testing. Allele origin: germline. Affected: yes.
Comment: This variant is considered likely benign or benign based on one or more of the following criteria: it is a conservative change, it occurs at a poorly conserved position in the protein, it is predicted to be benign by multiple in silico algorithms, and/or has population frequency not consistent with disease.

Breakthrough Genomics
Classification: Benign. Review status: criteria provided, single submitter. Criteria: ACMG Guidelines, 2015. Collection method: not provided. Allele origin: germline. Inheritance: Autosomal recessive inheritance. Affected: yes.